The following is an entry in ClinVar:

ClinVar aggregate classification (germline): Uncertain significance. Review status: criteria provided, multiple submitters, no conflicts (2 of 4 stars). 2 submissions from 2 submitters: Uncertain significance (2). Last evaluated 2022-12-31.

Conditions:
Hereditary cancer-predisposing syndrome. Also called: Tumor predisposition; Neoplastic Syndromes, Hereditary; Hereditary Cancer Syndrome; Hereditary neoplastic syndrome. Identifiers: Orphanet 140162, MedGen C0027672, MeSH D009386, MONDO:0015356.
POLD1-related polyposis and colorectal cancer syndrome (CRCS10). Also called: Colorectal cancer 10; COLORECTAL CANCER, SUSCEPTIBILITY TO, ON CHROMOSOME 19q; Colorectal cancer, susceptibility to, 10. Identifiers: Orphanet 220460, MedGen C2675481, MONDO:0012953, OMIM 612591.

Submissions (2):

Ambry Genetics
Classification: Uncertain significance for Hereditary cancer-predisposing syndrome. Last evaluated: 2022-12-31. Review status: criteria provided, single submitter. Criteria: Ambry Variant Classification Scheme 2023. Collection method: clinical testing. Allele origin: germline.
Comment: The p.T633A variant (also known as c.1897A>G), located in coding exon 15 of the POLD1 gene, results from an A to G substitution at nucleotide position 1897. The threonine at codon 633 is replaced by alanine, an amino acid with similar properties. This amino acid position is conserved. In addition, this alteration is predicted to be tolerated by in silico analysis. Since supporting evidence is limited at this time, the clinical significance of this alteration remains unclear.

Labcorp Genetics (formerly Invitae), Labcorp
Classification: Uncertain significance for POLD1-related polyposis and colorectal cancer syndrome. Last evaluated: 2021-12-05. Review status: criteria provided, single submitter. Criteria: Invitae Variant Classification Sherloc (09022015). Collection method: clinical testing. Allele origin: germline.
Comment: In summary, the available evidence is currently insufficient to determine the role of this variant in disease. Therefore, it has been classified as a Variant of Uncertain Significance. Algorithms developed to predict the effect of missense changes on protein structure and function output the following: SIFT: "Tolerated"; PolyPhen-2: "Benign"; Align-GVGD: "Class C0". The alanine amino acid residue is found in multiple mammalian species, which suggests that this missense change does not adversely affect protein function. ClinVar contains an entry for this variant (Variation ID: 537083). This variant has not been reported in the literature in individuals affected with POLD1-related conditions. This variant is not present in population databases (gnomAD no frequency). This sequence change replaces threonine, which is neutral and polar, with alanine, which is neutral and non-polar, at codon 633 of the POLD1 protein (p.Thr633Ala).

NM_002691.4(POLD1):c.1897A>G (p.Thr633Ala)

Gene: POLD1 (DNA polymerase delta 1, catalytic subunit; plus strand). Cytogenetic location: 19q13.33.
Variant type: single nucleotide variant.
Coding change: c.1897A>G on transcript NM_002691.4 (MANE Select); coding-DNA position 1897, A replaced by G.
Protein change: p.Thr633Ala; replaces threonine 633 with alanine.
Molecular consequence: missense variant. On other transcripts: non-coding transcript variant (1).
Genome position (GRCh38, 1-based): chr19:50,409,126, A>G. VCF-style: chr19-50409126-A-G. GRCh37 (hg19) VCF-style: chr19-50912383-A-G.
Other names: c.1897A>G, p.Thr633Ala (NM_001256849.1); c.1975A>G, p.Thr659Ala (NM_001308632.1); c.1897A>G (NM_002691.2); short protein forms T633A, T659A.
Identifiers: ClinVar variation 537083 (VCV000537083.7), dbSNP rs1555791840, ClinGen allele CA406982191.